The following is an entry in ClinVar:

NM_012309.5(SHANK2):c.4926G>A (p.Pro1642=)

Gene: SHANK2 (SH3 and multiple ankyrin repeat domains 2; minus strand). Cytogenetic location: 11q13.3.
Variant type: single nucleotide variant.
Coding change: c.4926G>A on transcript NM_012309.5 (MANE Select); coding-DNA position 4926, G replaced by A.
Protein change: p.Pro1642=; no amino-acid change (proline 1642 retained).
Molecular consequence: synonymous variant.
Genome position (GRCh38, 1-based): chr11:70,485,367, C>T on the plus strand (G>A on the coding strand, the complement: SHANK2 is on the minus strand). VCF-style: chr11-70485367-C-T. GRCh37 (hg19) VCF-style: chr11-70331472-C-T.
Other names: c.3789G>A, p.Pro1263= (NM_001379226.1); c.3162G>A, p.Pro1054= (NM_133266.5).
Identifiers: ClinVar variation 212167 (VCV000212167.20), dbSNP rs150021463, ClinGen allele CA214634.
Genomic context (GRCh38, chr11:70,485,367, plus strand): 5'-GACTTACCTTGGAGCGAGGCTGGCGGACTTGGCTCCCATTGGTGAATCCAGTCCTTCCCC[C>T]GGCTTTGCCAATTTCTCTCGGTTCATTTGCTGTAGGATAGAGTTCAATTCACTAATAACG-3'
Protein context (NP_036441.2, residues 1632-1652): QQMNREKLAK[Pro1642=]GEGLDSPMGA

ClinVar aggregate classification (germline): Conflicting classifications of pathogenicity. Review status: criteria provided, conflicting classifications (1 of 4 stars). 4 submissions from 4 submitters: Uncertain significance (1); Benign (1); Likely benign (2). Last evaluated 2026-03-01.

Allele frequency attached by ClinVar (database versions not stated): 1000 Genomes Project 30x 0.00031; 1000 Genomes Project 0.00040; TOPMed 0.00095; gnomAD 0.00103 and 0.00104; ExAC 0.00118; ESP Exome Variant Server 0.00146; gnomAD exomes 0.00150.
gnomAD v4.1: 1,295 of 1,614,014 alleles (0.08%); highest among the groups gnomAD compares: Middle Eastern, 0.12%; 6 homozygotes.

Submissions (4):

CeGaT Center for Human Genetics Tuebingen
Classification: Likely benign. Last evaluated: 2026-03-01. Review status: criteria provided, single submitter. Criteria: CeGaT Center For Human Genetics Tuebingen Variant Classification Criteria Version 2. Collection method: clinical testing. Allele origin: germline. Affected: yes. Observed: 2 variant alleles.
Comment: SHANK2: BP4, BP7, BS1

Blueprint Genetics
Classification: Likely benign. Last evaluated: 2024-11-21. Review status: criteria provided, single submitter. Criteria: ACMG Guidelines, 2015. Collection method: clinical testing. Allele origin: germline.

Labcorp Genetics (formerly Invitae), Labcorp
Classification: Benign. Last evaluated: 2018-07-09. Review status: criteria provided, single submitter. Criteria: Invitae Variant Classification Sherloc (09022015). Collection method: clinical testing. Allele origin: germline.

Genetic Services Laboratory, University of Chicago
Classification: Uncertain significance. Last evaluated: 2015-05-06. Review status: criteria provided, single submitter. Criteria: ACMG Guidelines, 2015. Collection method: clinical testing. Allele origin: germline.